The following is an entry in ClinVar:

ClinVar aggregate classification (germline): Conflicting classifications of pathogenicity. Review status: criteria provided, conflicting classifications (1 of 4 stars). 2 submissions from 2 submitters: Pathogenic (1); Uncertain significance (1). Last evaluated 2024-11-18.

Submissions (2):

GeneDx
Classification: Pathogenic. Last evaluated: 2024-11-18. Review status: criteria provided, single submitter. Criteria: GeneDx Variant Classification Process June 2021. Collection method: clinical testing. Allele origin: germline.
Comment: Not observed at significant frequency in large population cohorts (gnomAD); In silico analysis supports a deleterious effect on protein structure/function; In-frame deletion of one amino acid in a non-repeat region; Has not been previously published as pathogenic or benign to our knowledge

Blueprint Genetics
Classification: Uncertain significance. Last evaluated: 2021-08-16. Review status: criteria provided, single submitter. Criteria: ACMG Guidelines, 2015. Collection method: clinical testing. Allele origin: germline.

NM_001190274.2(FBXO11):c.2168GAA[1] (p.Arg724del)

Gene: FBXO11 (F-box protein 11; minus strand). Cytogenetic location: 2p16.3.
Variant type: Microsatellite.
Coding change: c.2168GAA[1] on transcript NM_001190274.2 (MANE Select); one copy of the 3-base unit GAA starting at c.2168; the reference has two copies in a row; one copy, 3 bases deleted.
Protein change: p.Arg724del; deletes arginine 724.
Genome position (GRCh38, 1-based): chr2:47,813,288-47,813,290, TTC deleted on the plus strand (GAA on the coding strand, the reverse complement: FBXO11 is on the minus strand); deleting any 3 consecutive bases within chr2:47,813,288-47,813,295 gives the same sequence; the position shown is the placement nearest the transcript's 3' end. VCF-style (leftmost placement, unchanged base first): chr2-47813287-TTTC-T. GRCh37 (hg19) VCF-style: chr2-48040426-TTTC-T.
Other names: c.1916GAA[1], p.Arg640del (NM_001374325.1, NM_025133.4); short protein forms R640del, R724del.
Identifiers: ClinVar variation 3364840 (VCV003364840.3).